The following is an entry in ClinVar:

ClinVar aggregate classification (germline): Likely benign (1 of 4 stars; one submission).

Allele frequency attached by ClinVar (database versions not stated): ExAC 0.00001.

Submission:

CeGaT Center for Human Genetics Tuebingen
Classification: Likely benign. Last evaluated: 2023-11-01. Review status: criteria provided, single submitter. Criteria: CeGaT Center For Human Genetics Tuebingen Variant Classification Criteria Version 2. Collection method: clinical testing. Allele origin: germline. Affected: yes. Observed: 1 variant allele.
Comment: MUC3A: PM2:Supporting, BP4, BP7

NM_005960.2(MUC3A):c.954G>A (p.Val318=)

Gene: MUC3A (mucin 3A, cell surface associated; plus strand). Cytogenetic location: 7q22.1.
Variant type: single nucleotide variant.
Coding change: c.954G>A on transcript NM_005960.2 (MANE Select); coding-DNA position 954, G replaced by A.
Protein change: p.Val318=; no amino-acid change (valine 318 retained).
Molecular consequence: synonymous variant.
Genome position (GRCh38, 1-based): chr7:100,952,733, G>A. VCF-style: chr7-100952733-G-A. GRCh37 (hg19) VCF-style: chr7-100550373-G-A.
Identifiers: ClinVar variation 2673119 (VCV002673119.23), dbSNP rs752766291, ClinGen allele CA4397071.